The following is an entry in ClinVar:

NM_001037984.3(SLC38A10):c.2968G>T (p.Gly990Trp)

Gene: SLC38A10 (solute carrier family 38 member 10; minus strand). Cytogenetic location: 17q25.3.
Variant type: single nucleotide variant.
Coding change: c.2968G>T on transcript NM_001037984.3 (MANE Select); coding-DNA position 2968, G replaced by T.
Protein change: p.Gly990Trp; replaces glycine 990 with tryptophan.
Molecular consequence: missense variant.
Genome position (GRCh38, 1-based): chr17:81,245,948, C>A on the plus strand (G>T on the coding strand, the complement: SLC38A10 is on the minus strand). VCF-style: chr17-81245948-C-A. GRCh37 (hg19) VCF-style: chr17-79219748-C-A.
Other names: short protein forms G990W.
Identifiers: ClinVar variation 4851770 (VCV004851770.1).

ClinVar aggregate classification (germline): Uncertain significance (1 of 4 stars; one submission).

Submission:

Greenwood Genetic Center Diagnostic Laboratories, Greenwood Genetic Center
Classification: Uncertain significance. Last evaluated: 2025-01-21. Review status: criteria provided, single submitter. Criteria: ACMG Guidelines, 2015. Collection method: clinical testing. Allele origin: germline.
Comment: Gene of Uncertain Significance